The following is an entry in ClinVar:

NM_015346.4(ZFYVE26):c.2747C>T (p.Ala916Val)

Gene: ZFYVE26 (zinc finger FYVE-type containing 26; minus strand). Cytogenetic location: 14q24.1.
Variant type: single nucleotide variant.
Coding change: c.2747C>T on transcript NM_015346.4 (MANE Select); coding-DNA position 2747, C replaced by T.
Protein change: p.Ala916Val; replaces alanine 916 with valine.
Molecular consequence: missense variant.
Genome position (GRCh38, 1-based): chr14:67,790,580, G>A on the plus strand (C>T on the coding strand, the complement: ZFYVE26 is on the minus strand). VCF-style: chr14-67790580-G-A. GRCh37 (hg19) VCF-style: chr14-68257297-G-A.
Other names: short protein forms A916V.
Identifiers: ClinVar variation 1312714 (VCV001312714.2), dbSNP rs2140233873, ClinGen allele CA390173769.

ClinVar aggregate classification (germline): Uncertain significance (1 of 4 stars; one submission).

Submission:

GeneDx
Classification: Uncertain significance. Last evaluated: 2020-06-25. Review status: criteria provided, single submitter. Criteria: GeneDx Variant Classification Process June 2021. Collection method: clinical testing. Allele origin: germline. Affected: yes.
Comment: Not observed in large population cohorts (Lek et al., 2016); In silico analysis supports that this missense variant does not alter protein structure/function; Has not been previously published as pathogenic or benign to our knowledge